The following is an entry in ClinVar:

NM_001005242.3(PKP2):c.134G>A (p.Gly45Asp)

Gene: PKP2 (plakophilin 2; minus strand). Cytogenetic location: 12p11.21.
Variant type: single nucleotide variant.
Coding change: c.134G>A on transcript NM_001005242.3 (MANE Select); coding-DNA position 134, G replaced by A.
Protein change: p.Gly45Asp; replaces glycine 45 with aspartic acid.
Molecular consequence: missense variant. On other transcripts: 5 prime UTR variant (4).
Genome position (GRCh38, 1-based): chr12:32,896,598, C>T on the plus strand (G>A on the coding strand, the complement: PKP2 is on the minus strand). VCF-style: chr12-32896598-C-T. GRCh37 (hg19) VCF-style: chr12-33049532-C-T.
Other names: c.134G>A, p.Gly45Asp (NM_001407155.1, NM_001407156.1, NM_001407157.1 and 2 more transcripts); c.-693G>A (NM_001407158.1, NM_001407162.1); c.-457G>A (NM_001407159.1, NM_001407160.1); short protein forms G45D.
Identifiers: ClinVar variation 2774111 (VCV002774111.3), dbSNP rs2541384526, ClinGen allele CA384371190.

ClinVar aggregate classification (germline): Uncertain significance. Review status: criteria provided, multiple submitters, no conflicts (2 of 4 stars). 2 submissions from 2 submitters: Uncertain significance (2). Last evaluated 2026-07-01.

Conditions:
Cardiomyopathy (CMYO). Also called: Cardiomyopathies. Identifiers: Orphanet 167848, MedGen C0878544, MONDO:0004994, HP:0001638. Inheritance: Various modes of inheritance.
Cardiovascular phenotype. Identifiers: MedGen CN230736.

gnomAD v4.1: 1 of 1,584,774 alleles (0.000063%); no homozygotes.

Submissions (2):

Ambry Genetics
Classification: Uncertain significance for Cardiovascular phenotype. Last evaluated: 2026-07-01. Review status: criteria provided, single submitter. Criteria: Ambry Variant Classification Scheme 2023. Collection method: clinical testing. Allele origin: germline.
Comment: The p.G45D variant (also known as c.134G>A), located in coding exon 1 of the PKP2 gene, results from a G to A substitution at nucleotide position 134. The glycine at codon 45 is replaced by aspartic acid, an amino acid with similar properties. This amino acid position is conserved. In addition, this alteration is predicted to be tolerated by in silico analysis. Based on the available evidence, the clinical significance of this variant remains unclear.

Color Diagnostics, LLC DBA Color Health
Classification: Uncertain significance for Cardiomyopathy. Last evaluated: 2024-03-06. Review status: criteria provided, single submitter. Criteria: ACMG Guidelines, 2015. Collection method: clinical testing. Allele origin: germline.
Comment: This missense variant replaces glycine with aspartic acid at codon 45 of the PKP2 protein. Computational prediction suggests that this variant may not impact protein structure and function (internally defined REVEL score threshold <= 0.5, PMID: 27666373). To our knowledge, functional studies have not been reported for this variant. This variant has not been reported in individuals affected with cardiovascular disorders in the literature. This variant has not been identified in the general population by the Genome Aggregation Database (gnomAD). The available evidence is insufficient to determine the role of this variant in disease conclusively. Therefore, this variant is classified as a Variant of Uncertain Significance.